The following is an entry in ClinVar:

ClinVar aggregate classification (germline): Uncertain significance (1 of 4 stars; one submission).

Submission:

GeneDx
Classification: Uncertain significance. Last evaluated: 2024-11-17. Review status: criteria provided, single submitter. Criteria: GeneDx Variant Classification Process June 2021. Collection method: clinical testing. Allele origin: germline. Affected: yes.
Comment: Not observed at significant frequency in large population cohorts (gnomAD); Missense variants in this gene are a common cause of disease and they are underrepresented in the general population; In silico analysis indicates that this missense variant does not alter protein structure/function; Has not been previously published as pathogenic or benign to our knowledge

NM_006306.4(SMC1A):c.3682C>A (p.Pro1228Thr)

Gene: SMC1A (structural maintenance of chromosomes 1A; minus strand). Cytogenetic location: Xp11.22.
Variant type: single nucleotide variant.
Coding change: c.3682C>A on transcript NM_006306.4 (MANE Select); coding-DNA position 3682, C replaced by A.
Protein change: p.Pro1228Thr; replaces proline 1228 with threonine.
Molecular consequence: missense variant.
Genome position (GRCh38, 1-based): chrX:53,380,123, G>T on the plus strand (C>A on the coding strand, the complement: SMC1A is on the minus strand). VCF-style: chrX-53380123-G-T. GRCh37 (hg19) VCF-style: chrX-53407044-G-T.
Other names: c.3616C>A, p.Pro1206Thr (NM_001281463.1); short protein forms P1206T, P1228T.
Identifiers: ClinVar variation 3899770 (VCV003899770.1).